The following is an entry in ClinVar:

NM_007294.4(BRCA1):c.5162A>G (p.Gln1721Arg)

Gene: BRCA1 (BRCA1 DNA repair associated; minus strand). Cytogenetic location: 17q21.31.
Variant type: single nucleotide variant.
Coding change: c.5162A>G on transcript NM_007294.4 (MANE Select); coding-DNA position 5162, A replaced by G.
Protein change: p.Gln1721Arg; replaces glutamine 1721 with arginine.
Molecular consequence: missense variant. On other transcripts: non-coding transcript variant (1).
Genome position (GRCh38, 1-based): chr17:43,063,364, T>C on the plus strand (A>G on the coding strand, the complement: BRCA1 is on the minus strand). VCF-style: chr17-43063364-T-C. GRCh37 (hg19) VCF-style: chr17-41215381-T-C.
Other names: c.4949A>G, p.Gln1650Arg (NM_001407571.1, NM_001407900.1, NM_001407902.1 and 12 more transcripts); c.5228A>G, p.Gln1743Arg (NM_001407581.1, NM_001407582.1); c.5225A>G, p.Gln1742Arg (NM_001407583.1, NM_001407585.1, NM_001407587.1 and 1 more transcripts); c.5159A>G, p.Gln1720Arg (NM_001407610.1, NM_001407611.1, NM_001407612.1 and 17 more transcripts); c.5156A>G, p.Gln1719Arg (NM_001407629.1, NM_001407630.1, NM_001407631.1 and 14 more transcripts); c.5102A>G, p.Gln1701Arg (NM_001407649.1); c.5084A>G, p.Gln1695Arg (NM_001407652.1, NM_001407653.1, NM_001407654.1 and 1 more transcripts); c.5081A>G, p.Gln1694Arg (NM_001407656.1, NM_001407657.1, NM_001407658.1); and 72 more; short protein forms Q1674R, Q1721R, Q617R, Q1742R, Q1631R, Q1632R, Q1649R, Q1653R.
Identifiers: ClinVar variation 867755 (VCV000867755.8), dbSNP rs2051867806, ClinGen allele CA10591221.

ClinVar aggregate classification (germline): Uncertain significance. Review status: criteria provided, multiple submitters, no conflicts (2 of 4 stars). 3 submissions from 3 submitters: Uncertain significance (3). Last evaluated 2024-09-02.

Conditions:
Hereditary breast ovarian cancer syndrome. Also called: Hereditary breast and ovarian cancer; Hereditary breast and ovarian cancer syndrome (HBOC); Breast and ovarian cancer; Hereditary breast and/or ovarian cancer syndrome; BRCA1- and BRCA2-Associated Hereditary Breast and Ovarian Cancer; Hereditary breast and ovarian cancer syndrome. Identifiers: Orphanet 145, MedGen C0677776, MeSH D061325, MONDO:0003582. Disease mechanism: loss of function.
Breast-ovarian cancer, familial, susceptibility to, 1 (BROVCA1). Also called: BRCA1 Hereditary Breast and Ovarian Cancer; OVARIAN CANCER, SUSCEPTIBILITY TO. Identifiers: Orphanet 145, MedGen C2676676, MONDO:0011450, OMIM 604370. Disease mechanism: loss of function.
Fanconi anemia, complementation group S (FANCS). Identifiers: MedGen C4554406, MONDO:0054748, OMIM 617883.
Familial cancer of breast. Also called: BREAST CANCER, FAMILIAL; Hereditary breast cancer; hereditary breast carcinoma. Identifiers: Orphanet 227535, MedGen C0346153, MONDO:0016419, OMIM 114480. Disease mechanism: loss of function.

Submissions (4):

Labcorp Genetics (formerly Invitae), Labcorp
Classification: Uncertain significance for Hereditary breast ovarian cancer syndrome. Last evaluated: 2024-09-02. Review status: criteria provided, single submitter. Criteria: Invitae Variant Classification Sherloc (09022015). Collection method: clinical testing. Allele origin: germline.
Comment: This sequence change replaces glutamine, which is neutral and polar, with arginine, which is basic and polar, at codon 1721 of the BRCA1 protein (p.Gln1721Arg). This variant is not present in population databases (gnomAD no frequency). This missense change has been observed in individual(s) with breast cancer (PMID: 32803532). ClinVar contains an entry for this variant (Variation ID: 867755). Invitae Evidence Modeling incorporating data from in vitro experimental studies (PMID: 30209399) indicates that this missense variant is not expected to disrupt BRCA1 function with a negative predictive value of 95%. In summary, the available evidence is currently insufficient to determine the role of this variant in disease. Therefore, it has been classified as a Variant of Uncertain Significance.

Department of Pathology and Laboratory Medicine, Sinai Health System
Classification: Uncertain significance for Familial cancer of breast; Breast-ovarian cancer, familial, susceptibility to, 1; Fanconi anemia, complementation group S. Last evaluated: 2024-07-11. Review status: criteria provided, single submitter. Criteria: ACMG Guidelines, 2015. Collection method: clinical testing. Allele origin: germline. Affected: yes.

Breast Center, Key Laboratory of Carcinogenesis and Translational Research
Classification: Uncertain significance for Hereditary breast and ovarian cancer syndrome. Last evaluated: 2020-05-01. Review status: criteria provided, single submitter. Criteria: ACMG Guidelines, 2015. Collection method: clinical testing. Allele origin: germline. Observed: 1 variant allele.

Brotman Baty Institute, University of Washington
No classification provided (evidence only). Condition: Breast-ovarian cancer, familial 1. Review status: no classification provided. Collection method: in vitro. Allele origin: not applicable. Functional consequence: functionally_normal. Not counted in ClinVar's aggregate classification.
ClinVar note: "not provided" was previously submitted as the classification for the variant. However, the classification appeared to be based only on an observation of functional data so it was converted to no classification on 2025-07-30.

Literature cited by the submitters: PubMed 32803532 (cited by Labcorp Genetics (formerly Invitae), Labcorp); PubMed 30209399 (cited by 3 submitters).